The following is an entry in ClinVar:

NM_004329.3(BMPR1A):c.1066C>T (p.Pro356Ser)

Gene: BMPR1A (bone morphogenetic protein receptor type 1A; plus strand). Cytogenetic location: 10q23.2.
Variant type: single nucleotide variant.
Coding change: c.1066C>T on transcript NM_004329.3 (MANE Select); coding-DNA position 1066, C replaced by T.
Protein change: p.Pro356Ser; replaces proline 356 with serine.
Molecular consequence: missense variant.
Genome position (GRCh38, 1-based): chr10:86,919,369, C>T. VCF-style: chr10-86919369-C-T. GRCh37 (hg19) VCF-style: chr10-88679126-C-T.
Other names: short protein forms P356S.
Identifiers: ClinVar variation 482847 (VCV000482847.16), dbSNP rs774555805, ClinGen allele CA5585647.

ClinVar aggregate classification (germline): Uncertain significance. Review status: criteria provided, multiple submitters, no conflicts (2 of 4 stars). 5 submissions from 5 submitters: Uncertain significance (5). Last evaluated 2025-11-05.

Conditions:
Juvenile polyposis syndrome (JPS). Identifiers: Orphanet 2929, MedGen C0345893, MONDO:0017380, OMIM 174900.
Hereditary cancer-predisposing syndrome. Also called: Hereditary neoplastic syndrome; Neoplastic Syndromes, Hereditary; Tumor predisposition; Hereditary Cancer Syndrome. Identifiers: Orphanet 140162, MedGen C0027672, MeSH D009386, MONDO:0015356.

Allele frequency attached by ClinVar (database versions not stated): gnomAD exomes below 0.00001 and 0.00001; ExAC 0.00001; gnomAD 0.00001.
gnomAD v4.1: 10 of 1,613,024 alleles (0.00062%); highest among the groups gnomAD compares: Middle Eastern, 0.018%; no homozygotes.

Submissions (5):

Labcorp Genetics (formerly Invitae), Labcorp
Classification: Uncertain significance for Juvenile polyposis syndrome. Last evaluated: 2025-11-05. Review status: criteria provided, single submitter. Criteria: Invitae Variant Classification Sherloc (09022015). Collection method: clinical testing. Allele origin: germline.
Comment: This sequence change replaces proline, which is neutral and non-polar, with serine, which is neutral and polar, at codon 356 of the BMPR1A protein (p.Pro356Ser). This variant is present in population databases (rs774555805, gnomAD 0.008%). This missense change has been observed in individual(s) with clinical features of Lynch syndrome (PMID: 25980754). ClinVar contains an entry for this variant (Variation ID: 482847). Invitae Evidence Modeling of protein sequence and biophysical properties (such as structural, functional, and spatial information, amino acid conservation, physicochemical variation, residue mobility, and thermodynamic stability) has been performed for this missense variant. However, the output from this modeling did not meet the statistical confidence thresholds required to predict the impact of this variant on BMPR1A protein function. In summary, the available evidence is currently insufficient to determine the role of this variant in disease. Therefore, it has been classified as a Variant of Uncertain Significance.

Quest Diagnostics Nichols Institute San Juan Capistrano
Classification: Uncertain significance. Last evaluated: 2024-09-02. Review status: criteria provided, single submitter. Criteria: Quest Diagnostics criteria. Collection method: clinical testing. Allele origin: unknown.
Comment: The BMPR1A c.1066C>T (p.Pro356Ser) variant has been reported in the published literature in individuals with Lynch syndrome-associated cancer and/or polyp (PMIDs: 25980754 (2015) and 35928693 (2022)). The frequency of this variant in the general population, 0.0000071 (2/282092 chromosomes (Genome Aggregation Database)), is uninformative in the assessment of its pathogenicity. Analysis of this variant using bioinformatics tools for the prediction of the effect of amino acid changes on protein structure and function yielded predictions that this variant is damaging. Based on the available information, we are unable to determine the clinical significance of this variant.

All of Us Research Program, National Institutes of Health
Classification: Uncertain significance for Juvenile polyposis syndrome. Last evaluated: 2024-05-14. Review status: criteria provided, single submitter. Criteria: ACMG Guidelines, 2015. Collection method: clinical testing. Allele origin: germline. Inheritance: Autosomal dominant inheritance. Observed: 1 variant allele, 1 heterozygote.
Comment: This missense variant replaces proline with serine at codon 356 of the BMPR1A protein. Computational prediction suggests that this variant may have deleterious impact on protein structure and function (internally defined REVEL score threshold >= 0.7, PMID: 27666373). To our knowledge, functional studies have not been reported for this variant. This variant has been reported in an individual affected with Lynch syndrome-associated cancer and/or polyps (PMID: 25980754). This variant has been identified in 2/282092 chromosomes in the general population by the Genome Aggregation Database (gnomAD). The available evidence is insufficient to determine the role of this variant in disease conclusively. Therefore, this variant is classified as a Variant of Uncertain Significance.

This study involves interpretation of variants in research participants for the purpose of population health screening. Participant phenotype was not available at the time of variant classification. Additional details can be found in publication PMID: 35346344, PMCID: PMC8962531

Color Diagnostics, LLC DBA Color Health
Classification: Uncertain significance for Hereditary cancer-predisposing syndrome. Last evaluated: 2024-04-18. Review status: criteria provided, single submitter. Criteria: ACMG Guidelines, 2015. Collection method: clinical testing. Allele origin: germline.
Comment: This missense variant replaces proline with serine at codon 356 of the BMPR1A protein. Computational prediction suggests that this variant may have deleterious impact on protein structure and function (internally defined REVEL score threshold >= 0.7, PMID: 27666373). To our knowledge, functional studies have not been reported for this variant. This variant has been reported in an individual affected with Lynch syndrome-associated cancer and/or polyps (PMID: 25980754). This variant has been identified in 2/282092 chromosomes in the general population by the Genome Aggregation Database (gnomAD). The available evidence is insufficient to determine the role of this variant in disease conclusively. Therefore, this variant is classified as a Variant of Uncertain Significance.

Ambry Genetics
Classification: Uncertain significance for Hereditary cancer-predisposing syndrome. Last evaluated: 2024-02-07. Review status: criteria provided, single submitter. Criteria: Ambry Variant Classification Scheme 2023. Collection method: clinical testing. Allele origin: germline.
Comment: The p.P356S variant (also known as c.1066C>T), located in coding exon 8 of the BMPR1A gene, results from a C to T substitution at nucleotide position 1066. The proline at codon 356 is replaced by serine, an amino acid with similar properties. This alteration was identified in one individual in a cohort of 1260 individuals undergoing panel testing for Lynch syndrome due to having a diagnosis of a Lynch-associated cancer and/or polyps (Yurgelun MB et al. Gastroenterology, 2015 Sep;149:604-13.e20). This amino acid position is highly conserved in available vertebrate species. In addition, this alteration is predicted to be deleterious by in silico analysis. Based on the available evidence, the clinical significance of this alteration remains unclear.

Literature cited by the submitters: PubMed 25980754 (cited by 5 submitters); PubMed 35928693 (cited by Quest Diagnostics Nichols Institute San Juan Capistrano).